The following is an entry in ClinVar:

NM_000038.6(APC):c.5712A>G (p.Gln1904=)

Gene: APC (APC regulator of Wnt signaling pathway; plus strand). Cytogenetic location: 5q22.2.
Variant type: single nucleotide variant.
Coding change: c.5712A>G on transcript NM_000038.6 (MANE Select); coding-DNA position 5712, A replaced by G.
Protein change: p.Gln1904=; no amino-acid change (glutamine 1904 retained).
Molecular consequence: synonymous variant.
Genome position (GRCh38, 1-based): chr5:112,841,306, A>G. VCF-style: chr5-112841306-A-G. GRCh37 (hg19) VCF-style: chr5-112177003-A-G.
Other names: c.5712A>G, p.Gln1904= (NM_001127510.3, NM_001354895.2); c.5658A>G, p.Gln1886= (NM_001127511.3); c.5766A>G, p.Gln1922= (NM_001354896.2); c.5742A>G, p.Gln1914= (NM_001354897.2); c.5637A>G, p.Gln1879= (NM_001354898.2); c.5628A>G, p.Gln1876= (NM_001354899.2); c.5589A>G, p.Gln1863= (NM_001354900.2); c.5535A>G, p.Gln1845= (NM_001354901.2); and 5 more.
Identifiers: ClinVar variation 219614 (VCV000219614.30), dbSNP rs755851369, ClinGen allele CA042729.
Genomic context (GRCh38, chr5:112,841,306, plus strand): 5'-AAAAGAAAATAAGGAATCAGAGGCTAAAGTTACCAGCCACACAGAACTAACCTCCAACCA[A>G]CAATCAGCTAATAAGACACAAGCTATTGCAAAGCAGCCAATAAATCGAGGTCAGCCTAAA-3'
Protein context (NP_000029.2, residues 1894-1914): VTSHTELTSN[Gln1904=]QSANKTQAIA

ClinVar aggregate classification (germline): Conflicting classifications of pathogenicity. Review status: criteria provided, conflicting classifications (1 of 4 stars). 8 submissions from 8 submitters: Uncertain significance (1); Benign (1); Likely benign (5). 1 of the submissions does not count toward it. Last evaluated 2026-01-27.

Conditions:
APC-Associated Polyposis Disorders.
Hereditary cancer-predisposing syndrome. Also called: Tumor predisposition; Neoplastic Syndromes, Hereditary; Hereditary Cancer Syndrome; Hereditary neoplastic syndrome. Identifiers: Orphanet 140162, MedGen C0027672, MeSH D009386, MONDO:0015356.
APC-related disorder. Also called: APC-related condition.
Familial adenomatous polyposis 1 (FAP1). Also called: POLYPOSIS, ADENOMATOUS INTESTINAL; FAMILIAL ADENOMATOUS POLYPOSIS 1, ATTENUATED. Identifiers: MedGen C2713442, MONDO:0021056, OMIM 175100. Disease mechanism: loss of function.

Allele frequency attached by ClinVar (database versions not stated): gnomAD exomes below 0.00001 and 0.00001; gnomAD 0.00001; ExAC 0.00002; TOPMed 0.00002.
gnomAD v4.1: 5 of 1,613,914 alleles (0.00031%); highest among the groups gnomAD compares: African/African-American, 0.004%; no homozygotes.

Submissions (8):

Labcorp Genetics (formerly Invitae), Labcorp
Classification: Likely benign for Familial adenomatous polyposis 1. Last evaluated: 2026-01-27. Review status: criteria provided, single submitter. Criteria: Invitae Variant Classification Sherloc (09022015). Collection method: clinical testing. Allele origin: germline.

Center for Genomic Medicine, Rigshospitalet, Copenhagen University Hospital
Classification: Likely benign. Last evaluated: 2025-03-04. Review status: criteria provided, single submitter. Criteria: ACMG Guidelines, 2015. Collection method: clinical testing. Allele origin: germline.

Blueprint Genetics
Classification: Likely benign. Last evaluated: 2024-09-25. Review status: criteria provided, single submitter. Criteria: ACMG Guidelines, 2015. Collection method: clinical testing. Allele origin: germline.

Myriad Genetics, Inc.
Classification: Benign for Familial adenomatous polyposis 1. Last evaluated: 2024-04-02. Review status: criteria provided, single submitter. Criteria: Myriad Autosomal Dominant, Autosomal Recessive and X-Linked Classification Criteria (2023). Collection method: clinical testing. Allele origin: unknown.
Comment: This variant is considered benign. This variant is a silent/synonymous amino acid change and it is not expected to impact splicing.

Illumina Laboratory Services, Illumina
Classification: Uncertain significance for APC-Associated Polyposis Disorders. Last evaluated: 2018-01-12. Review status: criteria provided, single submitter. Criteria: ICSL Variant Classification Criteria 13 December 2019. Collection method: clinical testing. Allele origin: germline.

Color Diagnostics, LLC DBA Color Health
Classification: Likely benign for Hereditary cancer-predisposing syndrome. Last evaluated: 2016-08-26. Review status: criteria provided, single submitter. Criteria: ACMG Guidelines, 2015. Collection method: clinical testing. Allele origin: germline.

Ambry Genetics
Classification: Likely benign for Hereditary cancer-predisposing syndrome. Last evaluated: 2016-06-24. Review status: criteria provided, single submitter. Criteria: Ambry Variant Classification Scheme 2023. Collection method: clinical testing. Allele origin: germline.

PreventionGenetics, part of Exact Sciences
Classification: Likely benign for APC-related condition. Last evaluated: 2024-08-08. Review status: no assertion criteria provided. Collection method: clinical testing. Allele origin: germline. Not counted in ClinVar's aggregate classification.
Comment: This variant is classified as likely benign based on ACMG/AMP sequence variant interpretation guidelines (Richards et al. 2015 PMID: 25741868, with internal and published modifications).